The following is an entry in ClinVar:

NM_007294.4(BRCA1):c.3839_3843delinsAAGC (p.Ser1280_Gln1281delinsTer)

Genes: BRCA1 (BRCA1 DNA repair associated; minus strand), LOC126862571 (BRD4-independent group 4 enhancer GRCh37_chr17:41243136-41244335; plus strand). Cytogenetic location: 17q21.31.
Variant type: Indel.
Coding change: c.3839_3843delinsAAGC on transcript NM_007294.4 (MANE Select); coding-DNA positions 3839 to 3843, CTCAG replaced by AAGC.
Protein change: p.Ser1280_Gln1281delinsTer.
Molecular consequence: nonsense. On other transcripts: intron variant (135).
Genome position (GRCh38, 1-based): chr17:43,091,688-43,091,692, CTGAG replaced by GCTT on the plus strand (CTCAG replaced by AAGC on the coding strand, the reverse complement: BRCA1 is on the minus strand). VCF-style: chr17-43091688-CTGAG-GCTT. GRCh37 (hg19) VCF-style: chr17-41243705-CTGAG-GCTT.
Other names: c.647-660_647-656delinsAAGC (NM_001408410.1, NM_001408458.1, NM_001408469.1 and 11 more transcripts); c.710-660_710-656delinsAAGC (NM_001408415.1, NM_001408412.1, NM_001408409.1 and 2 more transcripts); c.578-660_578-656delinsAAGC (NM_001408483.1, NM_001408481.1, NM_001408480.1 and 9 more transcripts); c.665-660_665-656delinsAAGC (NM_001408442.1, NM_001408426.1, NM_001408441.1 and 12 more transcripts); c.3698_3702delinsAAGC, p.Ser1233_Gln1234delinsTer (NM_001407694.1, NM_001407695.1, NM_001407696.1 and 29 more transcripts); c.3839_3843delinsAAGC, p.Ser1280_Gln1281delinsTer (NM_001407642.1, NM_001407652.1, NM_001407684.1 and 30 more transcripts); c.3836_3840delinsAAGC, p.Ser1279_Gln1280delinsTer (NM_001407644.1, NM_001407645.1, NM_001407587.1 and 22 more transcripts); c.3830_3834delinsAAGC, p.Ser1277_Gln1278delinsTer (NM_001407646.1, NM_001407647.1); and 41 more.
Identifiers: ClinVar variation 4082359 (VCV004082359.1).

ClinVar aggregate classification (germline): Pathogenic (1 of 4 stars; one submission).

Conditions:
Hereditary cancer-predisposing syndrome. Also called: Tumor predisposition; Neoplastic Syndromes, Hereditary; Hereditary neoplastic syndrome; Hereditary Cancer Syndrome. Identifiers: Orphanet 140162, MedGen C0027672, MeSH D009386, MONDO:0015356.

Submission:

Molecular Diagnostics Laboratory, Catalan Institute of Oncology
Classification: Pathogenic for Hereditary cancer-predisposing syndrome. Last evaluated: 2025-07-27. Review status: criteria provided, single submitter. Criteria: ClinGen BRCA1BRCA2 ACMG Specifications BRCA1 V1.0.0. Collection method: clinical testing. Allele origin: germline.
Comment: PVS1, PM5_PTC_Strong c.3839_3843delinsAGGC, located in exon 10 (11 according to BIC nomenclature) of the BRCA1 gene, consists in the deletion of 5 nucleotides and the insertion of 4, causing a translational frameshift with a predicted alternate stop codon (p.(Ser1280Ter)). This alteration is expected to result in loss of function by premature protein truncation and nonsense-mediated mRNA decay (PVS1) (PM5_PTC_Strong). It is not present in the population database gnomAD v2.1.1, non-cancer dataset. To our knowledge, no well-established functional studies have been reported for this variant. This variant has been reported in multiple breast and ovarian cancer- affected individuals (PMID: 29446198, 9799090, and internal data). This variant has been reported in the ClinVar database (5x pathogenic), in the LOVD database (10x pathogenic) and in BRCA Exchange database (pathogenic). Based on the currently available information, c.3839_3843delinsAGGC is classified as a pathogenic variant according to ClinGen ENIGMA BRCA1 and BRCA2 Expert Panel Specifications to the ACMG/AMP Variant Interpretation Guidelines for BRCA1 Version 1.0.0.